The following is an entry in ClinVar:

NM_001142864.4(PIEZO1):c.4580G>A (p.Arg1527His)

Gene: PIEZO1 (piezo type mechanosensitive ion channel component 1 (Er blood group); minus strand). Cytogenetic location: 16q24.3.
Variant type: single nucleotide variant.
Coding change: c.4580G>A on transcript NM_001142864.4 (MANE Select); coding-DNA position 4580, G replaced by A.
Protein change: p.Arg1527His; replaces arginine 1527 with histidine.
Molecular consequence: missense variant.
Genome position (GRCh38, 1-based): chr16:88,722,925, C>T on the plus strand (G>A on the coding strand, the complement: PIEZO1 is on the minus strand). VCF-style: chr16-88722925-C-T. GRCh37 (hg19) VCF-style: chr16-88789333-C-T.
Other names: p.Arg1527His; short protein forms R1527H.
Identifiers: ClinVar variation 724916 (VCV000724916.37), dbSNP rs148870219, ClinGen allele CA8232102.
Genomic context (GRCh38, chr16:88,722,925, plus strand): 5'-CGCTCTGCCCGCAGCACGTCGCTCATGGTGCCGTGGTGCCGGGTGAACTCCTGCAGCCAG[C>T]GTGTCAGCTCATCCACTAGCGCCTGCCCCAGCATCCACAGGAACTGCGCCGTGCTCAGCA-3'
Protein context (NP_001136336.2, residues 1517-1537): LGQALVDELT[Arg1527His]WLQEFTRHHG

ClinVar aggregate classification (germline): Benign/Likely benign. Review status: criteria provided, multiple submitters, no conflicts (2 of 4 stars). 9 submissions from 9 submitters: Benign (2); Likely benign (4). 3 of the submissions do not count toward it. Last evaluated 2026-04-01.

Conditions:
Lymphatic malformation 6 (LMPHM6). Also called: PIEZO1-related generalized lymphatic dysplasia with non-immune hydrops fetalis; GENERALIZED LYMPHATIC DYSPLASIA OF FOTIOU; Lymphedema, hereditary, III. Identifiers: Orphanet 568062, MedGen C4225184, MONDO:0014797, OMIM 616843.
Dehydrated hereditary stomatocytosis with or without pseudohyperkalemia and/or perinatal edema (DHS1). Also called: Dehydrated hereditary stomatocytosis 1 with or without pseudohyperkalemia and/or perinatal edema; PSEUDOHYPERKALEMIA EDINBURGH; DEHYDRATED HEREDITARY STOMATOCYTOSIS AND PSEUDOHYPERKALEMIA; DEHYDRATED HEREDITARY STOMATOCYTOSIS WITH PSEUDOHYPERKALEMIA AND PERINATAL EDEMA; Pseudohyperkalemia, familial, 1, due to red cell leak. Identifiers: Orphanet 3202, MedGen C4551512, MONDO:0008689, OMIM 194380.
PIEZO1-related disorder. Also called: PIEZO1-Related Disorders; PIEZO1-related condition.

Allele frequency attached by ClinVar (database versions not stated): 1000 Genomes Project 0.00100; ExAC 0.00106; TOPMed 0.00107; 1000 Genomes Project 30x 0.00109; gnomAD exomes 0.00200 and 0.00216; gnomAD 0.00215 and 0.00229.
gnomAD v4.1: 3,084 of 1,548,434 alleles (0.2%); highest among the groups gnomAD compares: Non-Finnish European, 0.18%; 11 homozygotes.

Submissions (9):

CeGaT Center for Human Genetics Tuebingen
Classification: Benign. Last evaluated: 2026-04-01. Review status: criteria provided, single submitter. Criteria: CeGaT Center For Human Genetics Tuebingen Variant Classification Criteria Version 2. Collection method: clinical testing. Allele origin: germline. Affected: yes. Observed: 4 variant alleles.
Comment: PIEZO1: BP4, BS1, BS2

Labcorp Genetics (formerly Invitae), Labcorp
Classification: Benign. Last evaluated: 2025-12-19. Review status: criteria provided, single submitter. Criteria: Invitae Variant Classification Sherloc (09022015). Collection method: clinical testing. Allele origin: germline.

Blueprint Genetics
Classification: Likely benign. Last evaluated: 2024-11-22. Review status: criteria provided, single submitter. Criteria: ACMG Guidelines, 2015. Collection method: clinical testing. Allele origin: germline.

Mayo Clinic Laboratories, Mayo Clinic
Classification: Likely benign. Last evaluated: 2024-10-17. Review status: criteria provided, single submitter. Criteria: ACMG Guidelines, 2015. Collection method: clinical testing. Allele origin: germline. Observed: 4 variant alleles.

ARUP Laboratories, Molecular Genetics and Genomics, ARUP Laboratories
Classification: Likely benign. Last evaluated: 2023-10-11. Review status: criteria provided, single submitter. Criteria: ARUP Molecular Germline Variant Investigation Process 2024. Collection method: clinical testing. Allele origin: germline.

Department of Pathology and Laboratory Medicine, Sinai Health System
Classification: Likely benign for Dehydrated hereditary stomatocytosis with or without pseudohyperkalemia and/or perinatal edema; Lymphatic malformation 6. Last evaluated: 2021-07-30. Review status: criteria provided, single submitter. Criteria: ACMG Guidelines, 2015. Collection method: research. Allele origin: germline.

PreventionGenetics, part of Exact Sciences
Classification: Benign for PIEZO1-related condition. Last evaluated: 2019-10-10. Review status: no assertion criteria provided. Collection method: clinical testing. Allele origin: germline. Not counted in ClinVar's aggregate classification.
Comment: This variant is classified as benign based on ACMG/AMP sequence variant interpretation guidelines (Richards et al. 2015 PMID: 25741868, with internal and published modifications).

Clinical Genetics DNA and cytogenetics Diagnostics Lab, Erasmus MC, Erasmus Medical Center
Classification: Likely benign. Review status: no assertion criteria provided. Collection method: clinical testing. Allele origin: germline. Affected: yes. Study: VKGL Data-share Consensus. Not counted in ClinVar's aggregate classification.

Laboratory of Diagnostic Genome Analysis, Leiden University Medical Center (LUMC)
Classification: Benign. Review status: no assertion criteria provided. Collection method: clinical testing. Allele origin: germline. Affected: yes. Study: VKGL Data-share Consensus. Not counted in ClinVar's aggregate classification.